The following continues an entry in ClinVar:

NM_000186.4(CFH):c.3148A>T (p.Asn1050Tyr)

Gene: CFH. ClinVar aggregate classification (germline): Benign/Likely benign. Benign (3); Likely benign (13).

Submissions 64 to 84 of 84:

Dr. Peter K. Rogan Lab, Western University
No classification provided (evidence only). Condition: Sarcoma. Review status: no classification provided. Collection method: in vitro. Allele origin: not applicable. Functional consequence: cryptic splice site, retained intron. Not counted in ClinVar's aggregate classification.

Dr. Peter K. Rogan Lab, Western University
No classification provided (evidence only). Condition: Sarcoma. Review status: no classification provided. Collection method: in vitro. Allele origin: not applicable. Functional consequence: retained intron. Not counted in ClinVar's aggregate classification.

Dr. Peter K. Rogan Lab, Western University
No classification provided (evidence only). Condition: Hepatocellular carcinoma. Review status: no classification provided. Collection method: in vitro. Allele origin: not applicable. Functional consequence: cryptic splice site, retained intron. Not counted in ClinVar's aggregate classification.

Dr. Peter K. Rogan Lab, Western University
No classification provided (evidence only). Condition: Hepatocellular carcinoma. Review status: no classification provided. Collection method: in vitro. Allele origin: not applicable. Functional consequence: skipped exon, retained intron. Not counted in ClinVar's aggregate classification.

Dr. Peter K. Rogan Lab, Western University
No classification provided (evidence only). Condition: Hepatocellular carcinoma. Review status: no classification provided. Collection method: in vitro. Allele origin: not applicable. Functional consequence: cryptic splice site, skipped exon, retained intron. Not counted in ClinVar's aggregate classification.

Dr. Peter K. Rogan Lab, Western University
No classification provided (evidence only). Condition: Hepatocellular carcinoma. Review status: no classification provided. Collection method: in vitro. Allele origin: not applicable. Functional consequence: cryptic splice site, retained intron. Not counted in ClinVar's aggregate classification.

Dr. Peter K. Rogan Lab, Western University
No classification provided (evidence only). Condition: Hepatocellular carcinoma. Review status: no classification provided. Collection method: in vitro. Allele origin: not applicable. Functional consequence: cryptic splice site, retained intron. Not counted in ClinVar's aggregate classification.

Dr. Peter K. Rogan Lab, Western University
No classification provided (evidence only). Condition: Hepatocellular carcinoma. Review status: no classification provided. Collection method: in vitro. Allele origin: not applicable. Functional consequence: cryptic splice site, retained intron. Not counted in ClinVar's aggregate classification.

Dr. Peter K. Rogan Lab, Western University
No classification provided (evidence only). Condition: Hepatocellular carcinoma. Review status: no classification provided. Collection method: in vitro. Allele origin: not applicable. Functional consequence: retained intron. Not counted in ClinVar's aggregate classification.

Dr. Peter K. Rogan Lab, Western University
No classification provided (evidence only). Condition: Hepatocellular carcinoma. Review status: no classification provided. Collection method: in vitro. Allele origin: not applicable. Functional consequence: cryptic splice site, retained intron. Not counted in ClinVar's aggregate classification.

Dr. Peter K. Rogan Lab, Western University
No classification provided (evidence only). Condition: Hepatocellular carcinoma. Review status: no classification provided. Collection method: in vitro. Allele origin: not applicable. Functional consequence: cryptic splice site, retained intron. Not counted in ClinVar's aggregate classification.

Dr. Peter K. Rogan Lab, Western University
No classification provided (evidence only). Condition: Hepatocellular carcinoma. Review status: no classification provided. Collection method: in vitro. Allele origin: not applicable. Functional consequence: cryptic splice site, retained intron. Not counted in ClinVar's aggregate classification.

Dr. Peter K. Rogan Lab, Western University
No classification provided (evidence only). Condition: Hepatocellular carcinoma. Review status: no classification provided. Collection method: in vitro. Allele origin: not applicable. Functional consequence: retained intron. Not counted in ClinVar's aggregate classification.

Dr. Peter K. Rogan Lab, Western University
No classification provided (evidence only). Condition: Hepatocellular carcinoma. Review status: no classification provided. Collection method: in vitro. Allele origin: not applicable. Functional consequence: cryptic splice site, retained intron. Not counted in ClinVar's aggregate classification.

Dr. Peter K. Rogan Lab, Western University
No classification provided (evidence only). Condition: Thymoma. Review status: no classification provided. Collection method: in vitro. Allele origin: not applicable. Functional consequence: retained intron. Not counted in ClinVar's aggregate classification.

Dr. Peter K. Rogan Lab, Western University
No classification provided (evidence only). Condition: Gastric cancer. Review status: no classification provided. Collection method: in vitro. Allele origin: not applicable. Functional consequence: retained intron. Not counted in ClinVar's aggregate classification.

Dr. Peter K. Rogan Lab, Western University
No classification provided (evidence only). Condition: Gastric cancer. Review status: no classification provided. Collection method: in vitro. Allele origin: not applicable. Functional consequence: retained intron. Not counted in ClinVar's aggregate classification.

Dr. Peter K. Rogan Lab, Western University
No classification provided (evidence only). Condition: Gastric cancer. Review status: no classification provided. Collection method: in vitro. Allele origin: not applicable. Functional consequence: retained intron. Not counted in ClinVar's aggregate classification.

Dr. Peter K. Rogan Lab, Western University
No classification provided (evidence only). Condition: Gastric cancer. Review status: no classification provided. Collection method: in vitro. Allele origin: not applicable. Functional consequence: retained intron. Not counted in ClinVar's aggregate classification.

Genome Diagnostics Laboratory, University Medical Center Utrecht
Classification: Benign. Review status: no assertion criteria provided. Collection method: clinical testing. Allele origin: germline. Affected: yes. Study: VKGL Data-share Consensus. Not counted in ClinVar's aggregate classification.

Joint Genome Diagnostic Labs from Nijmegen and Maastricht, Radboudumc and MUMC+
Classification: Likely benign. Review status: no assertion criteria provided. Collection method: clinical testing. Allele origin: germline. Affected: yes. Study: VKGL Data-share Consensus. Not counted in ClinVar's aggregate classification.